The following is an entry in ClinVar:

NM_001283009.2(RTEL1):c.2660C>T (p.Pro887Leu)

Genes: RTEL1 (regulator of telomere elongation helicase 1; plus strand), RTEL1-TNFRSF6B (RTEL1-TNFRSF6B readthrough (NMD candidate); plus strand). Cytogenetic location: 20q13.33.
Variant type: single nucleotide variant.
Coding change: c.2660C>T on transcript NM_001283009.2 (MANE Select); coding-DNA position 2660, C replaced by T.
Protein change: p.Pro887Leu; replaces proline 887 with leucine.
Molecular consequence: missense variant. On other transcripts: non-coding transcript variant (1).
Genome position (GRCh38, 1-based): chr20:63,692,812, C>T. VCF-style: chr20-63692812-C-T. GRCh37 (hg19) VCF-style: chr20-62324165-C-T.
Other names: c.1991C>T, p.Pro664Leu (NM_001283010.1); c.2660C>T, p.Pro887Leu (NM_016434.4); c.2732C>T, p.Pro911Leu (NM_032957.5); short protein forms P887L, P911L, P664L.
Identifiers: ClinVar variation 579937 (VCV000579937.3), dbSNP rs1568717000, ClinGen allele CA409682788.
Genomic context (GRCh38, chr20:63,692,812, plus strand): 5'-GGGACCAGATGATGAGGCTGGCCCTGATGGAGCCTCGGGCCTGTGTCCTGCAGGAGGAGC[C>T]CGTGGCTGGTGCACAGACGGACAGGGCCAAGCTCTTCATGGTGGCCGTGAAGCAGGAGTT-3'
Protein context (NP_001269938.1, residues 877-897): KIRLVSHPEE[Pro887Leu]VAGAQTDRAK

ClinVar aggregate classification (germline): Uncertain significance (1 of 4 stars; one submission).

Conditions:
Dyskeratosis congenita, autosomal recessive 5 (DKCB5). Identifiers: MedGen C3554656, MONDO:0014076, OMIM 615190.
Pulmonary fibrosis and/or bone marrow failure, Telomere-related, 3. Also called: PULMONARY FIBROSIS AND/OR BONE MARROW FAILURE SYNDROME, TELOMERE-RELATED, 3. Identifiers: Orphanet 2032, MedGen C4225346, MONDO:0014613, OMIM 616373.

Submission:

Labcorp Genetics (formerly Invitae), Labcorp
Classification: Uncertain significance for Dyskeratosis congenita, autosomal recessive 5; Pulmonary fibrosis and/or bone marrow failure, Telomere-related, 3. Last evaluated: 2021-09-01. Review status: criteria provided, single submitter. Criteria: Invitae Variant Classification Sherloc (09022015). Collection method: clinical testing. Allele origin: germline.
Comment: This sequence change replaces proline with leucine at codon 887 of the RTEL1 protein (p.Pro887Leu). The proline residue is weakly conserved and there is a moderate physicochemical difference between proline and leucine. This variant is not present in population databases (ExAC no frequency). This variant has not been reported in the literature in individuals affected with RTEL1-related conditions. Algorithms developed to predict the effect of missense changes on protein structure and function output the following: SIFT: "Tolerated"; PolyPhen-2: "Benign"; Align-GVGD: "Class C0". The leucine amino acid residue is found in multiple mammalian species, which suggests that this missense change does not adversely affect protein function. In summary, the available evidence is currently insufficient to determine the role of this variant in disease. Therefore, it has been classified as a Variant of Uncertain Significance.